The following is an entry in ClinVar:

ClinVar aggregate classification (germline): Uncertain significance (1 of 4 stars; one submission).

Conditions:
Autosomal recessive limb-girdle muscular dystrophy type R18 (LGMDR18). Also called: MUSCULAR DYSTROPHY, LIMB-GIRDLE, AUTOSOMAL RECESSIVE 18; Autosomal recessive limb-girdle muscular dystrophy type 2S; Limb-girdle muscular dystrophy, type 2S. Identifiers: Orphanet 369840, MedGen C4517996, MONDO:0014144, OMIM 615356.

Submission:

Labcorp Genetics (formerly Invitae), Labcorp
Classification: Uncertain significance for Autosomal recessive limb-girdle muscular dystrophy type R18. Last evaluated: 2023-12-07. Review status: criteria provided, single submitter. Criteria: Invitae Variant Classification Sherloc (09022015). Collection method: clinical testing. Allele origin: germline.
Comment: This sequence change replaces arginine, which is basic and polar, with leucine, which is neutral and non-polar, at codon 1025 of the TRAPPC11 protein (p.Arg1025Leu). This variant is not present in population databases (gnomAD no frequency). This variant has not been reported in the literature in individuals affected with TRAPPC11-related conditions. ClinVar contains an entry for this variant (Variation ID: 958942). Advanced modeling of protein sequence and biophysical properties (such as structural, functional, and spatial information, amino acid conservation, physicochemical variation, residue mobility, and thermodynamic stability) performed at Invitae indicates that this missense variant is not expected to disrupt TRAPPC11 protein function with a negative predictive value of 80%. In summary, the available evidence is currently insufficient to determine the role of this variant in disease. Therefore, it has been classified as a Variant of Uncertain Significance.

NM_021942.6(TRAPPC11):c.3074G>T (p.Arg1025Leu)

Gene: TRAPPC11 (trafficking protein particle complex subunit 11; plus strand). Cytogenetic location: 4q35.1.
Variant type: single nucleotide variant.
Coding change: c.3074G>T on transcript NM_021942.6 (MANE Select); coding-DNA position 3074, G replaced by T.
Protein change: p.Arg1025Leu; replaces arginine 1025 with leucine.
Molecular consequence: missense variant.
Genome position (GRCh38, 1-based): chr4:183,706,825, G>T. VCF-style: chr4-183706825-G-T. GRCh37 (hg19) VCF-style: chr4-184627978-G-T.
Other names: c.3074G>T, p.Arg1025Leu (NM_199053.3); short protein forms R1025L.
Identifiers: ClinVar variation 958942 (VCV000958942.10), dbSNP rs374203755, ClinGen allele CA358874615.